The following is an entry in ClinVar:

NM_212482.4(FN1):c.3718G>A (p.Gly1240Ser)

Gene: FN1 (fibronectin 1; minus strand). Cytogenetic location: 2q35.
Variant type: single nucleotide variant.
Coding change: c.3718G>A on transcript NM_212482.4 (MANE Select); coding-DNA position 3718, G replaced by A.
Protein change: p.Gly1240Ser; replaces glycine 1240 with serine.
Molecular consequence: missense variant.
Genome position (GRCh38, 1-based): chr2:215,394,606, C>T on the plus strand (G>A on the coding strand, the complement: FN1 is on the minus strand). VCF-style: chr2-215394606-C-T. GRCh37 (hg19) VCF-style: chr2-216259329-C-T.
Other names: c.3718G>A (NM_212482.1); c.3718G>A, p.Gly1240Ser (NM_001306129.2, NM_001306130.2, NM_001306131.2 and 13 more transcripts); short protein forms G1240S.
Identifiers: ClinVar variation 1986101 (VCV001986101.6), dbSNP rs767515823, ClinGen allele CA2094641.
Genomic context (GRCh38, chr2:215,394,606, plus strand): 5'-AGATAGGGACACTTTCCTTGTCATCCTTGACAGTGTAAACACTGACATTGTACTCCAGGC[C>T]GGGACTCAGGTTATCAAAAGTGCAGGAGCTCTGATCAGCATGGACCACTTCTTCCAAAGA-3'
Protein context (NP_997647.2, residues 1230-1250): SSCTFDNLSP[Gly1240Ser]LEYNVSVYTV

ClinVar aggregate classification (germline): Uncertain significance. Review status: criteria provided, multiple submitters, no conflicts (2 of 4 stars). 2 submissions from 2 submitters: Uncertain significance (2). Last evaluated 2025-04-28.

Conditions:
Inborn genetic diseases. Identifiers: MedGen C0950123, MeSH D030342.

Allele frequency attached by ClinVar (database versions not stated): gnomAD 0.00001; TOPMed 0.00004; ExAC 0.00005.
gnomAD v4.1: 36 of 1,613,908 alleles (0.0022%); highest among the groups gnomAD compares: Admixed American, 0.015%; no homozygotes.

Submissions (2):

Labcorp Genetics (formerly Invitae), Labcorp
Classification: Uncertain significance. Last evaluated: 2025-04-28. Review status: criteria provided, single submitter. Criteria: Invitae Variant Classification Sherloc (09022015). Collection method: clinical testing. Allele origin: germline.
Comment: This sequence change replaces glycine, which is neutral and non-polar, with serine, which is neutral and polar, at codon 1240 of the FN1 protein (p.Gly1240Ser). This variant is present in population databases (rs767515823, gnomAD 0.02%), and has an allele count higher than expected for a pathogenic variant. This variant has not been reported in the literature in individuals affected with FN1-related conditions. ClinVar contains an entry for this variant (Variation ID: 1986101). An algorithm developed to predict the effect of missense changes on protein structure and function (PolyPhen-2) suggests that this variant is likely to be disruptive. In summary, the available evidence is currently insufficient to determine the role of this variant in disease. Therefore, it has been classified as a Variant of Uncertain Significance.

Ambry Genetics
Classification: Uncertain significance for Inborn genetic diseases. Last evaluated: 2023-03-13. Review status: criteria provided, single submitter. Criteria: Ambry Variant Classification Scheme 2023. Collection method: clinical testing. Allele origin: germline.